The following is an entry in ClinVar:

ClinVar aggregate classification (germline): Uncertain significance (1 of 4 stars; one submission).

Conditions:
Familial cold autoinflammatory syndrome 3 (FCAS3). Also called: ANTIBODY DEFICIENCY AND IMMUNE DYSREGULATION, PLCG2-ASSOCIATED; FAMILIAL ATYPICAL COLD URTICARIA. Identifiers: Orphanet 300359, MedGen C3280914, MONDO:0013766, OMIM 614468.

Allele frequency attached by ClinVar (database versions not stated): gnomAD 0.00001; TOPMed 0.00001.
gnomAD v4.1: 9 of 1,605,330 alleles (0.00056%); highest among the groups gnomAD compares: South Asian, 0.0022%; no homozygotes.

Submission:

Labcorp Genetics (formerly Invitae), Labcorp
Classification: Uncertain significance for Familial cold autoinflammatory syndrome 3. Last evaluated: 2025-10-12. Review status: criteria provided, single submitter. Criteria: Invitae Variant Classification Sherloc (09022015). Collection method: clinical testing. Allele origin: germline.
Comment: This sequence change replaces arginine, which is basic and polar, with glutamine, which is neutral and polar, at codon 268 of the PLCG2 protein (p.Arg268Gln). This variant is not present in population databases (gnomAD no frequency). This variant has not been reported in the literature in individuals affected with PLCG2-related conditions. ClinVar contains an entry for this variant (Variation ID: 1038022). An algorithm developed to predict the effect of missense changes on protein structure and function outputs the following: PolyPhen-2: "Benign". The glutamine amino acid residue is found in multiple mammalian species, which suggests that this missense change does not adversely affect protein function. In summary, the available evidence is currently insufficient to determine the role of this variant in disease. Therefore, it has been classified as a Variant of Uncertain Significance.

NM_002661.5(PLCG2):c.803G>A (p.Arg268Gln)

Gene: PLCG2 (phospholipase C gamma 2; plus strand). Cytogenetic location: 16q23.3.
Variant type: single nucleotide variant.
Coding change: c.803G>A on transcript NM_002661.5 (MANE Select); coding-DNA position 803, G replaced by A.
Protein change: p.Arg268Gln; replaces arginine 268 with glutamine.
Molecular consequence: missense variant.
Genome position (GRCh38, 1-based): chr16:81,889,209, G>A. VCF-style: chr16-81889209-G-A. GRCh37 (hg19) VCF-style: chr16-81922814-G-A.
Other names: short protein forms R268Q.
Identifiers: ClinVar variation 1038022 (VCV001038022.8), dbSNP rs1353126296, ClinGen allele CA396897719.